The following is an entry in ClinVar:

NM_194277.3(FRMD7):c.646-2A>G

Gene: FRMD7 (FERM domain containing 7; minus strand). Cytogenetic location: Xq26.2.
Variant type: single nucleotide variant.
Coding change: c.646-2A>G on transcript NM_194277.3 (MANE Select); the canonical splice acceptor site of the intron before coding-DNA position 646, A replaced by G.
Molecular consequence: splice acceptor variant.
Genome position (GRCh38, 1-based): chrX:132,084,587, T>C on the plus strand (A>G on the coding strand, the complement: FRMD7 is on the minus strand). VCF-style: chrX-132084587-T-C. GRCh37 (hg19) VCF-style: chrX-131218615-T-C.
Other names: c.601-2A>G (NM_001306193.2).
Identifiers: ClinVar variation 4729074 (VCV004729074.1).

ClinVar aggregate classification (germline): Likely pathogenic (1 of 4 stars; one submission).

Submission:

Labcorp Genetics (formerly Invitae), Labcorp
Classification: Likely pathogenic. Last evaluated: 2026-01-13. Review status: criteria provided, single submitter. Criteria: Invitae Variant Classification Sherloc (09022015). Collection method: clinical testing. Allele origin: germline.
Comment: This sequence change affects an acceptor splice site in intron 7 of the FRMD7 gene. It is expected to disrupt RNA splicing. Variants that disrupt the donor or acceptor splice site typically lead to a loss of protein function (PMID: 16199547), and loss-of-function variants in FRMD7 are known to be pathogenic (PMID: 17013395). This variant is not present in population databases (gnomAD no frequency). This variant has not been reported in the literature in individuals affected with FRMD7-related conditions. Algorithms developed to predict the effect of sequence changes on RNA splicing suggest that this variant may disrupt the consensus splice site. In summary, the currently available evidence indicates that the variant is pathogenic, but additional data are needed to prove that conclusively. Therefore, this variant has been classified as Likely Pathogenic.

Literature cited by the submitters: PubMed 16199547; PubMed 17013395.